The following is an entry in ClinVar:

NM_001148.6(ANK2):c.4056T>A (p.Asp1352Glu)

Gene: ANK2 (ankyrin 2; plus strand). Cytogenetic location: 4q26.
Variant type: single nucleotide variant.
Coding change: c.4056T>A on transcript NM_001148.6 (MANE Select); coding-DNA position 4056, T replaced by A.
Protein change: p.Asp1352Glu; replaces aspartic acid 1352 with glutamic acid.
Molecular consequence: missense variant.
Genome position (GRCh38, 1-based): chr4:113,341,850, T>A. VCF-style: chr4-113341850-T-A. GRCh37 (hg19) VCF-style: chr4-114263006-T-A.
Other names: c.4029T>A, p.Asp1343Glu (NM_001127493.3); c.4068T>A, p.Asp1356Glu (NM_001354225.2); c.3957T>A, p.Asp1319Glu (NM_001354228.2, NM_001354258.2); c.4035T>A, p.Asp1345Glu (NM_001354230.2); c.4098T>A, p.Asp1366Glu (NM_001354231.2, NM_001354242.2); c.4092T>A, p.Asp1364Glu (NM_001354232.2); c.4053T>A, p.Asp1351Glu (NM_001354235.2, NM_001354246.2, NM_001354265.2); c.3954T>A, p.Asp1318Glu (NM_001354236.2); and 31 more; short protein forms D1191E, D1252E, D1265E, D1286E, D1297E, D1300E, D1331E, D1342E.
Identifiers: ClinVar variation 1737415 (VCV001737415.7), dbSNP rs1343465675, ClinGen allele CA357910018.

ClinVar aggregate classification (germline): Uncertain significance. Review status: criteria provided, multiple submitters, no conflicts (2 of 4 stars). 3 submissions from 3 submitters: Uncertain significance (3). Last evaluated 2024-11-03.

Conditions:
Long QT syndrome (LQTS). Identifiers: MedGen C0023976, MeSH D008133, MONDO:0002442. Disease mechanism: loss of function. Inheritance: Various modes of inheritance.
ANK2-related disorder. Also called: ANK2-related condition.
Cardiovascular phenotype. Identifiers: MedGen CN230736.

Allele frequency attached by ClinVar (database versions not stated): gnomAD exomes below 0.00001; gnomAD 0.00001; TOPMed 0.00002.
gnomAD v4.1: 3 of 1,613,954 alleles (0.00019%); highest among the groups gnomAD compares: Non-Finnish European, 0.00025%; no homozygotes.

Submissions (3):

PreventionGenetics, part of Exact Sciences
Classification: Uncertain significance for ANK2-related condition. Last evaluated: 2024-11-03. Review status: criteria provided, single submitter. Criteria: ACMG Guidelines, 2015. Collection method: clinical testing. Allele origin: germline.
Comment: The ANK2 c.4056T>A variant is predicted to result in the amino acid substitution p.Asp1352Glu. To our knowledge, this variant has not been reported in the literature or in a large population database (gnomAD), indicating this variant is rare. At this time, the clinical significance of this variant is uncertain due to the absence of conclusive functional and genetic evidence.

Ambry Genetics
Classification: Uncertain significance for Cardiovascular phenotype. Last evaluated: 2023-07-16. Review status: criteria provided, single submitter. Criteria: Ambry Variant Classification Scheme 2023. Collection method: clinical testing. Allele origin: germline.
Comment: The p.D1352E variant (also known as c.4056T>A), located in coding exon 33 of the ANK2 gene, results from a T to A substitution at nucleotide position 4056. The aspartic acid at codon 1352 is replaced by glutamic acid, an amino acid with highly similar properties. This amino acid position is highly conserved in available vertebrate species. In addition, the in silico prediction for this alteration is inconclusive. Since supporting evidence is limited at this time, the clinical significance of this alteration remains unclear.

Labcorp Genetics (formerly Invitae), Labcorp
Classification: Uncertain significance for Long QT syndrome. Last evaluated: 2023-05-09. Review status: criteria provided, single submitter. Criteria: Invitae Variant Classification Sherloc (09022015). Collection method: clinical testing. Allele origin: germline.
Comment: This variant has not been reported in the literature in individuals affected with ANK2-related conditions. This variant is not present in population databases (gnomAD no frequency). This sequence change replaces aspartic acid, which is acidic and polar, with glutamic acid, which is acidic and polar, at codon 1352 of the ANK2 protein (p.Asp1352Glu). ClinVar contains an entry for this variant (Variation ID: 1737415). In summary, the available evidence is currently insufficient to determine the role of this variant in disease. Therefore, it has been classified as a Variant of Uncertain Significance. Advanced modeling of protein sequence and biophysical properties (such as structural, functional, and spatial information, amino acid conservation, physicochemical variation, residue mobility, and thermodynamic stability) has been performed at Invitae for this missense variant, however the output from this modeling did not meet the statistical confidence thresholds required to predict the impact of this variant on ANK2 protein function.